The following is an entry in ClinVar:

NM_001330260.2(SCN8A):c.1043A>G (p.Tyr348Cys)

Gene: SCN8A (sodium voltage-gated channel alpha subunit 8; plus strand). Cytogenetic location: 12q13.13.
Variant type: single nucleotide variant.
Coding change: c.1043A>G on transcript NM_001330260.2 (MANE Select); coding-DNA position 1043, A replaced by G.
Protein change: p.Tyr348Cys; replaces tyrosine 348 with cysteine.
Molecular consequence: missense variant.
Genome position (GRCh38, 1-based): chr12:51,702,823, A>G. VCF-style: chr12-51702823-A-G. GRCh37 (hg19) VCF-style: chr12-52096607-A-G.
Other names: c.1043A>G, p.Tyr348Cys (NM_001177984.3, NM_001369788.1, NM_014191.4); short protein forms Y348C.
Identifiers: ClinVar variation 2663627 (VCV002663627.3), dbSNP rs2540179061, ClinGen allele CA385227146.
Genomic context (GRCh38, chr12:51,702,823, plus strand): 5'-CTTTCTTTAGGCAATGCCCAGAGGGATACCAGTGTATGAAAGCAGGAAGGAACCCCAACT[A>G]TGGTTACACAAGTTTTGACACTTTTAGCTGGGCCTTCTTGGCATTATTTCGCCTTATGAC-3'
Protein context (NP_001317189.1, residues 338-358): QCMKAGRNPN[Tyr348Cys]GYTSFDTFSW

ClinVar aggregate classification (germline): Uncertain significance. Review status: criteria provided, multiple submitters, no conflicts (2 of 4 stars). 2 submissions from 2 submitters: Uncertain significance (2). Last evaluated 2024-02-05.

Conditions:
Early-infantile DEE. Also called: Ohtahara syndrome; Early infantile epileptic encephalopathy; Early infantile epileptic encephalopathy with suppression bursts. Identifiers: Orphanet 1934, MedGen C0393706, MONDO:0800491.

Allele frequency attached by ClinVar (database versions not stated): gnomAD exomes below 0.00001.
gnomAD v4.1: 1 of 1,609,994 alleles (0.000062%); highest among the groups gnomAD compares: Non-Finnish European, 0.000085%; no homozygotes.

Submissions (2):

Labcorp Genetics (formerly Invitae), Labcorp
Classification: Uncertain significance for Early-infantile DEE. Last evaluated: 2024-02-05. Review status: criteria provided, single submitter. Criteria: Invitae Variant Classification Sherloc (09022015). Collection method: clinical testing. Allele origin: germline.
Comment: This sequence change replaces tyrosine, which is neutral and polar, with cysteine, which is neutral and slightly polar, at codon 348 of the SCN8A protein (p.Tyr348Cys). This variant is not present in population databases (gnomAD no frequency). This variant has not been reported in the literature in individuals affected with SCN8A-related conditions. ClinVar contains an entry for this variant (Variation ID: 2663627). Advanced modeling of protein sequence and biophysical properties (such as structural, functional, and spatial information, amino acid conservation, physicochemical variation, residue mobility, and thermodynamic stability) performed at Invitae indicates that this missense variant is expected to disrupt SCN8A protein function with a positive predictive value of 95%. In summary, the available evidence is currently insufficient to determine the role of this variant in disease. Therefore, it has been classified as a Variant of Uncertain Significance.

GeneDx
Classification: Uncertain significance. Last evaluated: 2023-04-19. Review status: criteria provided, single submitter. Criteria: GeneDx Variant Classification Process June 2021. Collection method: clinical testing. Allele origin: germline. Affected: yes.
Comment: Not observed at significant frequency in large population cohorts (gnomAD); Missense variants in this gene are often considered pathogenic (HGMD); In silico analysis supports that this missense variant has a deleterious effect on protein structure/function; Has not been previously published as pathogenic or benign to our knowledge; This substitution is predicted to be within the extracellular/intracellular loop between the S5 and S6 transmembrane segments of the first homologous domain.